The following is an entry in ClinVar:

NM_018723.4(RBFOX1):c.789C>T (p.Ala263=)

Gene: RBFOX1 (RNA binding fox-1 homolog 1; plus strand). Cytogenetic location: 16p13.3.
Variant type: single nucleotide variant.
Coding change: c.789C>T on transcript NM_018723.4 (MANE Select); coding-DNA position 789, C replaced by T.
Protein change: p.Ala263=; no amino-acid change (alanine 263 retained).
Molecular consequence: synonymous variant.
Genome position (GRCh38, 1-based): chr16:7,653,846, C>T. VCF-style: chr16-7653846-C-T. GRCh37 (hg19) VCF-style: chr16-7703848-C-T.
Other names: c.708C>T, p.Ala236= (NM_001142333.2); c.789C>T, p.Ala263= (NM_001142334.2, NM_001364800.2); c.918C>T, p.Ala306= (NM_001308117.1); c.849C>T, p.Ala283= (NM_145891.3, NM_145892.3, NM_145893.3); c.849C>T (NM_145891.2).
Identifiers: ClinVar variation 1155278 (VCV001155278.11), dbSNP rs577598050, ClinGen allele CA7891707.

ClinVar aggregate classification (germline): Likely benign. Review status: criteria provided, single submitter (1 of 4 stars). 2 submissions from 2 submitters: Likely benign (1). 1 of the submissions does not count toward it. Last evaluated 2025-08-20.

Conditions:
Idiopathic generalized epilepsy. Also called: Generalised epilepsy; EIG. Identifiers: MedGen C0270850, MONDO:0005579, OMIM 600669.
RBFOX1-related disorder. Also called: RBFOX1-related condition.

Allele frequency attached by ClinVar (database versions not stated): gnomAD 0.00004 and 0.00009; ExAC 0.00005; gnomAD exomes 0.00005 and 0.00009; TOPMed 0.00005; 1000 Genomes Project 30x 0.00094; 1000 Genomes Project 0.00120.
gnomAD v4.1: 82 of 1,607,096 alleles (0.0051%); highest among the groups gnomAD compares: East Asian, 0.11%; no homozygotes.

Submissions (2):

Labcorp Genetics (formerly Invitae), Labcorp
Classification: Likely benign for Idiopathic generalized epilepsy. Last evaluated: 2025-08-20. Review status: criteria provided, single submitter. Criteria: Invitae Variant Classification Sherloc (09022015). Collection method: clinical testing. Allele origin: germline.

PreventionGenetics, part of Exact Sciences
Classification: Likely benign for RBFOX1-related condition. Last evaluated: 2019-07-12. Review status: no assertion criteria provided. Collection method: clinical testing. Allele origin: germline. Not counted in ClinVar's aggregate classification.
Comment: This variant is classified as likely benign based on ACMG/AMP sequence variant interpretation guidelines (Richards et al. 2015 PMID: 25741868, with internal and published modifications).